The following is an entry in ClinVar:

ClinVar aggregate classification (germline): Likely benign (1 of 4 stars; one submission).

gnomAD v4.1: 9 of 1,614,154 alleles (0.00056%); highest among the groups gnomAD compares: African/African-American, 0.012%; no homozygotes.

Submission:

CeGaT Center for Human Genetics Tuebingen
Classification: Likely benign. Last evaluated: 2025-05-01. Review status: criteria provided, single submitter. Criteria: CeGaT Center For Human Genetics Tuebingen Variant Classification Criteria Version 2. Collection method: clinical testing. Allele origin: germline. Affected: yes. Observed: 1 variant allele.
Comment: TIMMDC1: BP4, BP7

NM_016589.4(TIMMDC1):c.90C>A (p.Ala30=)

Gene: TIMMDC1 (translocase of inner mitochondrial membrane domain containing 1; plus strand). Cytogenetic location: 3q13.33.
Variant type: single nucleotide variant.
Coding change: c.90C>A on transcript NM_016589.4 (MANE Select); coding-DNA position 90, C replaced by A.
Protein change: p.Ala30=; no amino-acid change (alanine 30 retained).
Molecular consequence: synonymous variant.
Genome position (GRCh38, 1-based): chr3:119,498,823, C>A. VCF-style: chr3-119498823-C-A. GRCh37 (hg19) VCF-style: chr3-119217670-C-A.
Identifiers: ClinVar variation 3905645 (VCV003905645.10).
Genomic context (GRCh38, chr3:119,498,823, plus strand): 5'-CTTTCTCTGTAGAGCATTGTGCCTATTTCCCCGAGTCTTTGCTGCCGAAGCTGTGACTGC[C>A]GATTCGGAAGTCCTTGAGGAGCGTCAGAAGCGGCTTCCCTACGTCCCAGAGCCCTATTAC-3'
Protein context (NP_057673.2, residues 20-40): PRVFAAEAVT[Ala30=]DSEVLEERQK